The following is an entry in ClinVar:

ClinVar aggregate classification (germline): Uncertain significance. Review status: criteria provided, multiple submitters, no conflicts (2 of 4 stars). 3 submissions from 3 submitters: Uncertain significance (3). Last evaluated 2026-03-25.

Conditions:
TTN-related disorder. Also called: TTN-related condition; TTN-related disease; TTN-related disorders.

Allele frequency attached by ClinVar (database versions not stated): TOPMed below 0.00001; gnomAD exomes 0.00002; ExAC 0.00002; gnomAD 0.00003.
gnomAD v4.1: 27 of 1,611,632 alleles (0.0017%); highest among the groups gnomAD compares: Non-Finnish European, 0.0023%; no homozygotes.

Submissions (3):

GeneDx
Classification: Uncertain significance. Last evaluated: 2026-03-25. Review status: criteria provided, single submitter. Criteria: GeneDx Variant Classification Process June 2021. Collection method: clinical testing. Allele origin: germline.
Comment: Not observed at significant frequency in large population cohorts (gnomAD); Missense variant in a gene in which most reported pathogenic variants are truncating/loss of function; Has not been previously published as pathogenic or benign to our knowledge

PreventionGenetics, part of Exact Sciences
Classification: Uncertain significance for TTN-related condition. Last evaluated: 2025-11-26. Review status: criteria provided, single submitter. Criteria: ACMG Guidelines, 2015. Collection method: clinical testing. Allele origin: germline.
Comment: The TTN c.29476C>A variant is predicted to result in the amino acid substitution p.Leu9826Ile. To our knowledge, this variant has not been reported in the literature. This variant is reported in 0.0032% of alleles in individuals of European (Non-Finnish) descent in gnomAD. At this time, the clinical significance of this variant is uncertain due to the absence of conclusive functional and genetic evidence.

Revvity Omics, Revvity
Classification: Uncertain significance. Last evaluated: 2019-11-14. Review status: criteria provided, single submitter. Criteria: ACMG Guidelines, 2015. Collection method: clinical testing. Allele origin: germline.

NM_001267550.2(TTN):c.29476C>A (p.Leu9826Ile)

Gene: TTN (titin; minus strand). Cytogenetic location: 2q31.2.
Variant type: single nucleotide variant.
Coding change: c.29476C>A on transcript NM_001267550.2 (MANE Select); coding-DNA position 29476, C replaced by A.
Protein change: p.Leu9826Ile; replaces leucine 9826 with isoleucine.
Molecular consequence: missense variant. On other transcripts: intron variant (3).
Genome position (GRCh38, 1-based): chr2:178,705,302, G>T on the plus strand (C>A on the coding strand, the complement: TTN is on the minus strand). VCF-style: chr2-178705302-G-T. GRCh37 (hg19) VCF-style: chr2-179570029-G-T.
Other names: c.28525C>A, p.Leu9509Ile (NM_001256850.1); c.25744C>A, p.Leu8582Ile (NM_133378.4); c.13282+32780C>A (NM_003319.4); c.13858+32780C>A (NM_133437.4); c.13657+32780C>A (NM_133432.3); short protein forms L8582I, L9509I, L9826I.
Identifiers: ClinVar variation 2437435 (VCV002437435.5), dbSNP rs777309739, ClinGen allele CA1999369.